The following is an entry in ClinVar:

NM_001849.4(COL6A2):c.2422+7G>A

Gene: COL6A2 (collagen type VI alpha 2 chain; plus strand). Cytogenetic location: 21q22.3.
Variant type: single nucleotide variant.
Coding change: c.2422+7G>A on transcript NM_001849.4 (MANE Select); 7 bases into the intron after coding-DNA position 2422, G replaced by A.
Molecular consequence: intron variant.
Genome position (GRCh38, 1-based): chr21:46,126,244, G>A. VCF-style: chr21-46126244-G-A. GRCh37 (hg19) VCF-style: chr21-47546158-G-A.
Other names: c.2422+7G>A (NM_058175.3, NM_058174.3).
Identifiers: ClinVar variation 515943 (VCV000515943.13), dbSNP rs773282809, ClinGen allele CA10072560.

ClinVar aggregate classification (germline): Conflicting classifications of pathogenicity. Review status: criteria provided, conflicting classifications (1 of 4 stars). 4 submissions from 4 submitters: Uncertain significance (1); Likely benign (3). Last evaluated 2025-08-20.

Conditions:
Bethlem myopathy 1A. Also called: Bethlem myopathy 1; Bethlem Muscular Dystrophy; MYOPATHY, BENIGN CONGENITAL, WITH CONTRACTURES. Identifiers: Orphanet 610, MedGen CN029274, MONDO:0024530, OMIM 158810.

Allele frequency attached by ClinVar (database versions not stated): TOPMed 0.00002.
gnomAD v4.1: 45 of 1,598,060 alleles (0.0028%); highest among the groups gnomAD compares: South Asian, 0.0088%; no homozygotes.

Submissions (4):

Labcorp Genetics (formerly Invitae), Labcorp
Classification: Likely benign for Bethlem myopathy 1A. Last evaluated: 2025-08-20. Review status: criteria provided, single submitter. Criteria: Invitae Variant Classification Sherloc (09022015). Collection method: clinical testing. Allele origin: germline.

Blueprint Genetics
Classification: Likely benign. Last evaluated: 2024-09-17. Review status: criteria provided, single submitter. Criteria: ACMG Guidelines, 2015. Collection method: clinical testing. Allele origin: germline.

GeneDx
Classification: Likely benign. Last evaluated: 2018-03-08. Review status: criteria provided, single submitter. Criteria: GeneDx Variant Classification (06012015). Collection method: clinical testing. Allele origin: germline. Affected: yes.
Comment: This variant is considered likely benign or benign based on one or more of the following criteria: it is a conservative change, it occurs at a poorly conserved position in the protein, it is predicted to be benign by multiple in silico algorithms, and/or has population frequency not consistent with disease.

Eurofins Ntd Llc (ga)
Classification: Uncertain significance. Last evaluated: 2017-11-17. Review status: criteria provided, single submitter. Criteria: EGL Classification Definitions 2015. Collection method: clinical testing. Allele origin: germline. Observed: 1 variant allele, 1 heterozygote.